The following is an entry in ClinVar:

NM_000093.5(COL5A1):c.1224G>C (p.Thr408=)

Gene: COL5A1 (collagen type V alpha 1 chain; plus strand). Cytogenetic location: 9q34.3.
Variant type: single nucleotide variant.
Coding change: c.1224G>C on transcript NM_000093.5 (MANE Select); coding-DNA position 1224, G replaced by C.
Protein change: p.Thr408=; no amino-acid change (threonine 408 retained).
Molecular consequence: synonymous variant.
Genome position (GRCh38, 1-based): chr9:134,731,555, G>C. VCF-style: chr9-134731555-G-C. GRCh37 (hg19) VCF-style: chr9-137623401-G-C.
Other names: p.T408T:ACG>ACC; p.Thr408=; c.1224G>C, p.Thr408= (NM_001278074.1).
Identifiers: ClinVar variation 136928 (VCV000136928.73), dbSNP rs139406076, ClinGen allele CA290352.
Genomic context (GRCh38, chr9:134,731,555, plus strand): 5'-GCCAGCTCCGCCTCCAGGGGAAGGTGCGGATGACTTGGAGGGGGAGTTCACTGAGGAAAC[G>C]ATCCGGAACCTTGACGAGAACTACTACGACCCCTACTACGACCCCACCAGCTCCCCGTCG-3'
Protein context (NP_000084.3, residues 398-418): DDLEGEFTEE[Thr408=]IRNLDENYYD

ClinVar aggregate classification (germline): Benign/Likely benign. Review status: criteria provided, multiple submitters, no conflicts (2 of 4 stars). 14 submissions from 14 submitters: Benign (3); Likely benign (8). 3 of the submissions do not count toward it. Last evaluated 2026-09-21.

Conditions:
Ehlers-Danlos syndrome, classic type, 1 (EDSCL1). Also called: EHLERS-DANLOS SYNDROME, GRAVIS TYPE; EHLERS-DANLOS SYNDROME, SEVERE CLASSIC TYPE; EDS I; Ehlers-Danlos syndrome, type 1; Ehlers-Danlos Syndrome, Classic Type, COL5A1-Related. Identifiers: MedGen C0268335, MONDO:0019567, OMIM 130000.
COL5A1-related disorder. Also called: COL5A1-related condition.
Ehlers-Danlos syndrome (EDS). Identifiers: Orphanet 98249, MedGen C0013720, MONDO:0020066.
Ehlers-Danlos syndrome, classic type (cEDS). Identifiers: Orphanet 287, MedGen C4225429, MONDO:0007522.
Familial thoracic aortic aneurysm and aortic dissection (TAAD). Also called: Thoracic aortic aneurysms and dissections. Identifiers: Orphanet 91387, MedGen C4707243, MONDO:0019625.

Allele frequency attached by ClinVar (database versions not stated): ESP Exome Variant Server 0.00023; TOPMed 0.00024.
gnomAD v4.1: 1,043 of 1,614,100 alleles (0.065%); highest among the groups gnomAD compares: Non-Finnish European, 0.087%; 1 homozygote.

Submissions (14):

Molecular Diagnostic Laboratory for Inherited Cardiovascular Disease, Montreal Heart Institute
Classification: Likely benign. Last evaluated: 2026-09-21. Review status: criteria provided, single submitter. Criteria: ACMG Guidelines, 2015. Collection method: clinical testing. Allele origin: germline. Affected: no.

CeGaT Center for Human Genetics Tuebingen
Classification: Likely benign. Last evaluated: 2026-07-01. Review status: criteria provided, single submitter. Criteria: CeGaT Center For Human Genetics Tuebingen Variant Classification Criteria Version 2. Collection method: clinical testing. Allele origin: germline. Affected: yes. Observed: 3 variant alleles.
Comment: COL5A1: BP4, BP7

Labcorp Genetics (formerly Invitae), Labcorp
Classification: Likely benign for Ehlers-Danlos syndrome, classic type, 1. Last evaluated: 2026-01-28. Review status: criteria provided, single submitter. Criteria: Invitae Variant Classification Sherloc (09022015). Collection method: clinical testing. Allele origin: germline.

Mayo Clinic Laboratories, Mayo Clinic
Classification: Likely benign. Last evaluated: 2025-04-09. Review status: criteria provided, single submitter. Criteria: ACMG Guidelines, 2015. Collection method: clinical testing. Allele origin: germline. Observed: 3 variant alleles.
Comment: BP4, BP7

Women's Health and Genetics/Laboratory Corporation of America, LabCorp
Classification: Benign. Last evaluated: 2025-03-05. Review status: criteria provided, single submitter. Criteria: LabCorp Variant Classification Summary - May 2015. Collection method: clinical testing. Allele origin: germline.

Blueprint Genetics
Classification: Likely benign. Last evaluated: 2024-11-01. Review status: criteria provided, single submitter. Criteria: ACMG Guidelines, 2015. Collection method: clinical testing. Allele origin: germline.

ARUP Laboratories, Molecular Genetics and Genomics, ARUP Laboratories
Classification: Likely benign. Last evaluated: 2023-12-18. Review status: criteria provided, single submitter. Criteria: ARUP Molecular Germline Variant Investigation Process 2024. Collection method: clinical testing. Allele origin: germline.

Genome Diagnostics Laboratory, The Hospital for Sick Children
Classification: Benign for Ehlers-Danlos syndrome. Last evaluated: 2021-04-12. Review status: criteria provided, single submitter. Criteria: ACMG Guidelines, 2015. Collection method: clinical testing. Allele origin: germline.

Ambry Genetics
Classification: Likely benign for Familial thoracic aortic aneurysm and aortic dissection. Last evaluated: 2018-08-27. Review status: criteria provided, single submitter. Criteria: Ambry Variant Classification Scheme 2023. Collection method: clinical testing. Allele origin: germline.

Illumina Laboratory Services, Illumina
Classification: Likely benign for Ehlers-Danlos syndrome, classic type, 1. Last evaluated: 2018-01-13. Review status: criteria provided, single submitter. Criteria: ICSL Variant Classification Criteria 13 December 2019. Collection method: clinical testing. Allele origin: germline.
Comment: This variant was observed in the ICSL laboratory as part of a predisposition screen in an ostensibly healthy population. It had not been previously curated by ICSL or reported in the Human Gene Mutation Database (HGMD: prior to June 1st, 2018), and was therefore a candidate for classification through an automated scoring system. Utilizing variant allele frequency, disease prevalence and penetrance estimates, and inheritance mode, an automated score was calculated to assess if this variant is too frequent to cause the disease. Based on the score and internal cut-off values, a variant classified as likely benign is not then subjected to further curation. The score for this variant resulted in a classification of likely benign for this disease.

GeneDx
Classification: Benign. Last evaluated: 2013-05-28. Review status: criteria provided, single submitter. Criteria: GeneDx Variant Classification (06012015). Collection method: clinical testing. Allele origin: germline. Affected: yes.
Comment: This variant is considered likely benign or benign based on one or more of the following criteria: it is a conservative change, it occurs at a poorly conserved position in the protein, it is predicted to be benign by multiple in silico algorithms, and/or has population frequency not consistent with disease.

PreventionGenetics, part of Exact Sciences
Classification: Likely benign for COL5A1-related condition. Last evaluated: 2019-03-21. Review status: no assertion criteria provided. Collection method: clinical testing. Allele origin: germline. Not counted in ClinVar's aggregate classification.
Comment: This variant is classified as likely benign based on ACMG/AMP sequence variant interpretation guidelines (Richards et al. 2015 PMID: 25741868, with internal and published modifications).

Genome Diagnostics Laboratory, Amsterdam University Medical Center
Classification: Likely benign. Review status: no assertion criteria provided. Collection method: clinical testing. Allele origin: germline. Affected: yes. Study: VKGL Data-share Consensus. Not counted in ClinVar's aggregate classification.

Genome Diagnostics Laboratory, University Medical Center Utrecht
Classification: Likely benign. Review status: no assertion criteria provided. Collection method: clinical testing. Allele origin: germline. Affected: yes. Study: VKGL Data-share Consensus. Not counted in ClinVar's aggregate classification.